The following is an entry in ClinVar:

ClinVar aggregate classification (germline): Uncertain significance (1 of 4 stars; one submission).

gnomAD v4.1: 1 of 1,613,418 alleles (0.000062%); highest among the groups gnomAD compares: Non-Finnish European, 0.000085%; no homozygotes.

Submission:

Labcorp Genetics (formerly Invitae), Labcorp
Classification: Uncertain significance. Last evaluated: 2022-05-04. Review status: criteria provided, single submitter. Criteria: Invitae Variant Classification Sherloc (09022015). Collection method: clinical testing. Allele origin: germline.
Comment: In summary, the available evidence is currently insufficient to determine the role of this variant in disease. Therefore, it has been classified as a Variant of Uncertain Significance. Algorithms developed to predict the effect of missense changes on protein structure and function (SIFT, PolyPhen-2, Align-GVGD) all suggest that this variant is likely to be tolerated. This variant has not been reported in the literature in individuals affected with BTRC-related conditions. This variant is not present in population databases (gnomAD no frequency). This sequence change replaces alanine, which is neutral and non-polar, with proline, which is neutral and non-polar, at codon 96 of the BTRC protein (p.Ala96Pro).

NM_033637.4(BTRC):c.286G>C (p.Ala96Pro)

Gene: BTRC (beta-transducin repeat containing E3 ubiquitin protein ligase; plus strand). Cytogenetic location: 10q24.32.
Variant type: single nucleotide variant.
Coding change: c.286G>C on transcript NM_033637.4 (MANE Select); coding-DNA position 286, G replaced by C.
Protein change: p.Ala96Pro; replaces alanine 96 with proline.
Molecular consequence: missense variant.
Genome position (GRCh38, 1-based): chr10:101,479,419, G>C. VCF-style: chr10-101479419-G-C. GRCh37 (hg19) VCF-style: chr10-103239176-G-C.
Other names: c.208G>C, p.Ala70Pro (NM_001256856.2); c.178G>C, p.Ala60Pro (NM_003939.5); short protein forms A60P, A96P, A70P.
Identifiers: ClinVar variation 2133926 (VCV002133926.4), dbSNP rs755998630, ClinGen allele CA378262856.
Genomic context (GRCh38, chr10:101,479,419, plus strand): 5'-TCTTTACAGACATACAACAGCTGTGCCAGACTCTGCTTAAACCAAGAAACAGTATGTTTA[G>C]CAAGCACTGCTATGAAGACTGAGAATTGTGTGGCCAAAGTAAGTAATATTGCTCATCAAT-3'
Protein context (NP_378663.1, residues 86-106): LCLNQETVCL[Ala96Pro]STAMKTENCV